The following is an entry in ClinVar:

NM_001851.6(COL9A1):c.175C>A (p.Leu59Met)

Gene: COL9A1 (collagen type IX alpha 1 chain; minus strand). Cytogenetic location: 6q13.
Variant type: single nucleotide variant.
Coding change: c.175C>A on transcript NM_001851.6 (MANE Select); coding-DNA position 175, C replaced by A.
Protein change: p.Leu59Met; replaces leucine 59 with methionine.
Molecular consequence: missense variant.
Genome position (GRCh38, 1-based): chr6:70,300,167, G>T on the plus strand (C>A on the coding strand, the complement: COL9A1 is on the minus strand). VCF-style: chr6-70300167-G-T. GRCh37 (hg19) VCF-style: chr6-71009870-G-T.
Other names: c.175C>A, p.Leu59Met (NM_001377291.1); short protein forms L59M.
Identifiers: ClinVar variation 1039984 (VCV001039984.5), dbSNP rs151310170, ClinGen allele CA3882884.
Genomic context (GRCh38, chr6:70,300,167, plus strand): 5'-CCACTACTCTCTGGATAGCTCTTCTAGATGCTGCTTTATCTACCTGGAACTGAGAGATCA[G>T]ATCAAACCCTATAGAATGGGAATACAAAATGAAAAGTCTAAAATGAGATTGGTTTTATTT-3'
Protein context (NP_001842.3, residues 49-69): IGQDDLPGFD[Leu59Met]ISQFQVDKAA

ClinVar aggregate classification (germline): Uncertain significance (1 of 4 stars; one submission).

Allele frequency attached by ClinVar (database versions not stated): TOPMed 0.00014; ESP Exome Variant Server 0.00015.
gnomAD v4.1: 25 of 1,613,620 alleles (0.0015%); highest among the groups gnomAD compares: African/African-American, 0.029%; no homozygotes.

Submission:

Labcorp Genetics (formerly Invitae), Labcorp
Classification: Uncertain significance. Last evaluated: 2024-10-22. Review status: criteria provided, single submitter. Criteria: Invitae Variant Classification Sherloc (09022015). Collection method: clinical testing. Allele origin: germline.
Comment: This sequence change replaces leucine, which is neutral and non-polar, with methionine, which is neutral and non-polar, at codon 59 of the COL9A1 protein (p.Leu59Met). This variant is present in population databases (rs151310170, gnomAD 0.03%). This variant has not been reported in the literature in individuals affected with COL9A1-related conditions. ClinVar contains an entry for this variant (Variation ID: 1039984). Invitae Evidence Modeling of protein sequence and biophysical properties (such as structural, functional, and spatial information, amino acid conservation, physicochemical variation, residue mobility, and thermodynamic stability) indicates that this missense variant is not expected to disrupt COL9A1 protein function with a negative predictive value of 95%. In summary, the available evidence is currently insufficient to determine the role of this variant in disease. Therefore, it has been classified as a Variant of Uncertain Significance.